The following is an entry in ClinVar:

NM_005476.7(GNE):c.1844C>G (p.Ser615Ter)

Gene: GNE (glucosamine (UDP-N-acetyl)-2-epimerase/N-acetylmannosamine kinase; minus strand). Cytogenetic location: 9p13.3.
Variant type: single nucleotide variant.
Coding change: c.1844C>G on transcript NM_005476.7 (MANE Select); coding-DNA position 1844, C replaced by G.
Protein change: p.Ser615Ter; replaces serine 615 with a stop codon.
Molecular consequence: nonsense.
Genome position (GRCh38, 1-based): chr9:36,218,272, G>C on the plus strand (C>G on the coding strand, the complement: GNE is on the minus strand). VCF-style: chr9-36218272-G-C. GRCh37 (hg19) VCF-style: chr9-36218269-G-C.
Other names: c.1937C>G, p.Ser646Ter (NM_001128227.3); c.1622C>G, p.Ser541Ter (NM_001190383.3); c.1514C>G, p.Ser505Ter (NM_001190384.3); c.1667C>G, p.Ser556Ter (NM_001190388.2, NM_001374798.1); c.1691C>G, p.Ser564Ter (NM_001374797.1); short protein forms S646*, S615*, S541*, S505*, S556*, S564*.
Identifiers: ClinVar variation 286439 (VCV000286439.26), dbSNP rs757523840, ClinGen allele CA5056405.

ClinVar aggregate classification (germline): Pathogenic. Review status: criteria provided, multiple submitters, no conflicts (2 of 4 stars). 7 submissions from 7 submitters: Pathogenic (6). 1 of the submissions does not count toward it. Last evaluated 2026-01-18.

Conditions:
Sialuria. Also called: Sialic Acid Storage Disease; SIALURIA, FRENCH TYPE. Identifiers: Orphanet 3166, MedGen C0342853, MONDO:0010028, OMIM 269921.
GNE myopathy (NM). Also called: NONAKA DISTAL MYOPATHY; IBM 2; Inclusion body myopathy autosomal recessive; Inclusion body myopathy quadriceps sparing; INCLUSION BODY MYOPATHY, HEREDITARY, AUTOSOMAL RECESSIVE; INCLUSION BODY MYOPATHY 2, AUTOSOMAL RECESSIVE. Identifiers: Orphanet 602, MedGen C1853926, MONDO:0011603, OMIM 605820.

Allele frequency attached by ClinVar (database versions not stated): ExAC 0.00001; gnomAD exomes 0.00001; TOPMed 0.00002; gnomAD 0.00003.
gnomAD v4.1: 21 of 1,613,834 alleles (0.0013%); highest among the groups gnomAD compares: Middle Eastern, 0.016%; no homozygotes.

Submissions (7):

Labcorp Genetics (formerly Invitae), Labcorp
Classification: Pathogenic for Sialuria; GNE myopathy. Last evaluated: 2026-01-18. Review status: criteria provided, single submitter. Criteria: Invitae Variant Classification Sherloc (09022015). Collection method: clinical testing. Allele origin: germline.
Comment: This sequence change creates a premature translational stop signal (p.Ser646*) in the GNE gene. It is expected to result in an absent or disrupted protein product. Loss-of-function variants in GNE are known to be pathogenic (PMID: 24027297). This variant is present in population databases (rs757523840, gnomAD 0.004%). This premature translational stop signal has been observed in individual(s) with hereditary inclusion body myopathy (PMID: 20059379). This variant is also known as S615X. ClinVar contains an entry for this variant (Variation ID: 286439). For these reasons, this variant has been classified as Pathogenic.

Natera, Inc.
Classification: Pathogenic for Nonaka myopathy. Last evaluated: 2025-03-13. Review status: criteria provided, single submitter. Criteria: Natera Variant Classification Schema (03/2026). Collection method: clinical testing. Allele origin: germline.
Comment: The c.1937C>G variant in GNE is a nonsense variant predicted to introduce a stop codon at amino acid 646. This variant is expected to result in nonsense mediated decay, truncation, or a dysfunctional protein product. This variant is rare in the general population with a frequency below the threshold expected for the associated phenotype(s). This variant has been observed in one or more individuals affected with the associated recessive disease, as either homozygous or compound heterozygous with a second variant (PMID: 27858732). Given the available evidence, this variant is classified as Pathogenic.

Baylor Genetics
Classification: Pathogenic for Sialuria. Last evaluated: 2020-09-03. Review status: criteria provided, single submitter. Criteria: ACMG Guidelines, 2015. Collection method: clinical testing. Allele origin: unknown. Affected: yes.
Comment: This variant was determined to be pathogenic according to ACMG Guidelines, 2015 [PMID:25741868].

Revvity Omics, Revvity
Classification: Pathogenic. Last evaluated: 2020-06-02. Review status: criteria provided, single submitter. Criteria: ACMG Guidelines, 2015. Collection method: clinical testing. Allele origin: germline.

GeneDx
Classification: Pathogenic. Last evaluated: 2019-10-29. Review status: criteria provided, single submitter. Criteria: GeneDx Variant Classification Process June 2021. Collection method: clinical testing. Allele origin: germline. Affected: yes.
Comment: Nonsense variant predicted to result in protein truncation or nonsense mediated decay in a gene for which loss-of-function is a known mechanism of disease; Not observed at a significant frequency in large population cohorts (Lek et al., 2016); This variant is associated with the following publications: (PMID: 20059379, 25525159)

Eurofins Ntd Llc (ga)
Classification: Pathogenic. Last evaluated: 2016-03-02. Review status: criteria provided, single submitter. Criteria: EGL Classification Definitions 2015. Collection method: clinical testing. Allele origin: germline. Observed: 1 variant allele, 1 heterozygote.

Counsyl
Classification: Likely pathogenic for GNE myopathy. Last evaluated: 2015-03-26. Review status: no assertion criteria provided. Collection method: clinical testing. Allele origin: unknown. Not counted in ClinVar's aggregate classification.

Literature cited by the submitters: PubMed 24027297 (cited by Labcorp Genetics (formerly Invitae), Labcorp); PubMed 20059379 (cited by 3 submitters); PubMed 27858732 (cited by Natera, Inc.).